The following is an entry in ClinVar:

ClinVar aggregate classification (germline): Likely pathogenic (1 of 4 stars; one submission).

Conditions:
Niemann-Pick disease, type C1. Also called: NIEMANN-PICK DISEASE, VARIANT TYPE C1; NIEMANN-PICK DISEASE WITHOUT SPHINGOMYELINASE DEFICIENCY; NIEMANN-PICK DISEASE, CHRONIC NEURONOPATHIC FORM; NEUROVISCERAL STORAGE DISEASE WITH VERTICAL SUPRANUCLEAR OPHTHALMOPLEGIA; NIEMANN-PICK DISEASE WITH CHOLESTEROL ESTERIFICATION BLOCK. Identifiers: Orphanet 646, MedGen C3179455, MONDO:0009757, OMIM 257220.

Submission:

Myriad Genetics, Inc.
Classification: Likely pathogenic for Niemann-Pick disease, type C1. Last evaluated: 2019-01-04. Review status: criteria provided, single submitter. Criteria: Myriad Women's Health Autosomal Recessive and X-Linked Classification Criteria (2019). Collection method: clinical testing. Allele origin: unknown.
Comment: NM_000271.4(NPC1):c.2579T>A(L860*) is expected to be pathogenic in the context of Niemann-Pick disease type C1. This variant is predicted to lead to an abnormal or absent protein product due to the creation of a premature termination codon in NPC1, a gene where loss-of-function variants are known to be pathogenic. Please note: this variant was assessed in the context of healthy population screening.

NM_000271.5(NPC1):c.2579T>A (p.Leu860Ter)

Gene: NPC1 (NPC intracellular cholesterol transporter 1; minus strand). Cytogenetic location: 18q11.2.
Variant type: single nucleotide variant.
Coding change: c.2579T>A on transcript NM_000271.5 (MANE Select); coding-DNA position 2579, T replaced by A.
Protein change: p.Leu860Ter; replaces leucine 860 with a stop codon.
Molecular consequence: nonsense.
Genome position (GRCh38, 1-based): chr18:23,540,473, A>T on the plus strand (T>A on the coding strand, the complement: NPC1 is on the minus strand). VCF-style: chr18-23540473-A-T. GRCh37 (hg19) VCF-style: chr18-21120437-A-T.
Other names: short protein forms L860*.
Identifiers: ClinVar variation 984322 (VCV000984322.3), dbSNP rs2058698544, ClinGen allele CA401793123.